The following is an entry in ClinVar:

ClinVar aggregate classification (germline): Uncertain significance (1 of 4 stars; one submission).

Conditions:
Familial adenomatous polyposis 1 (FAP1). Also called: FAMILIAL ADENOMATOUS POLYPOSIS 1, ATTENUATED; POLYPOSIS, ADENOMATOUS INTESTINAL. Identifiers: MedGen C2713442, MONDO:0021056, OMIM 175100. Disease mechanism: loss of function.

Submission:

Labcorp Genetics (formerly Invitae), Labcorp
Classification: Uncertain significance for Familial adenomatous polyposis 1. Last evaluated: 2024-05-04. Review status: criteria provided, single submitter. Criteria: Invitae Variant Classification Sherloc (09022015). Collection method: clinical testing. Allele origin: germline.
Comment: This sequence change replaces serine, which is neutral and polar, with asparagine, which is neutral and polar, at codon 2394 of the APC protein (p.Ser2394Asn). This variant is not present in population databases (gnomAD no frequency). This variant has not been reported in the literature in individuals affected with APC-related conditions. Advanced modeling of protein sequence and biophysical properties (such as structural, functional, and spatial information, amino acid conservation, physicochemical variation, residue mobility, and thermodynamic stability) performed at Invitae indicates that this missense variant is not expected to disrupt APC protein function with a negative predictive value of 95%. In summary, the available evidence is currently insufficient to determine the role of this variant in disease. Therefore, it has been classified as a Variant of Uncertain Significance.

NM_000038.6(APC):c.7181G>A (p.Ser2394Asn)

Gene: APC (APC regulator of Wnt signaling pathway; plus strand). Cytogenetic location: 5q22.2.
Variant type: single nucleotide variant.
Coding change: c.7181G>A on transcript NM_000038.6 (MANE Select); coding-DNA position 7181, G replaced by A.
Protein change: p.Ser2394Asn; replaces serine 2394 with asparagine.
Molecular consequence: missense variant. On other transcripts: non-coding transcript variant (2).
Genome position (GRCh38, 1-based): chr5:112,842,775, G>A. VCF-style: chr5-112842775-G-A. GRCh37 (hg19) VCF-style: chr5-112178472-G-A.
Other names: c.7181G>A, p.Ser2394Asn (NM_001127510.3, NM_001354895.2, NM_001407450.1); c.7127G>A, p.Ser2376Asn (NM_001127511.3); c.7235G>A, p.Ser2412Asn (NM_001354896.2, NM_001407447.1, NM_001407448.1 and 1 more transcripts); c.7211G>A, p.Ser2404Asn (NM_001354897.2); c.7106G>A, p.Ser2369Asn (NM_001354898.2); c.7097G>A, p.Ser2366Asn (NM_001354899.2); c.7058G>A, p.Ser2353Asn (NM_001354900.2); c.7004G>A, p.Ser2335Asn (NM_001354901.2, NM_001407453.1); and 11 more; short protein forms S2111N, S2268N, S2387N, S2404N, S2234N, S2265N, S2293N, S2303N.
Identifiers: ClinVar variation 2728563 (VCV002728563.3), dbSNP rs1766401591, ClinGen allele CA16036969.